The following is an entry in ClinVar:

ClinVar aggregate classification (germline): Uncertain significance (1 of 4 stars; one submission).

Conditions:
Lipoic acid synthetase deficiency. Also called: HYPERGLYCINEMIA, LACTIC ACIDOSIS, AND SEIZURES. Identifiers: Orphanet 401859, MedGen C3280887, MONDO:0013762, OMIM 614462.

Submission:

Labcorp Genetics (formerly Invitae), Labcorp
Classification: Uncertain significance for Lipoic acid synthetase deficiency. Last evaluated: 2020-01-27. Review status: criteria provided, single submitter. Criteria: Invitae Variant Classification Sherloc (09022015). Collection method: clinical testing. Allele origin: germline.
Comment: In summary, the available evidence is currently insufficient to determine the role of this variant in disease. Therefore, it has been classified as a Variant of Uncertain Significance. Algorithms developed to predict the effect of missense changes on protein structure and function are either unavailable or do not agree on the potential impact of this missense change (SIFT: "Deleterious"; PolyPhen-2: "Benign"; Align-GVGD: "Class C0"). This variant has not been reported in the literature in individuals with LIAS-related disease. This variant is not present in population databases (ExAC no frequency). This sequence change replaces aspartic acid with glutamic acid at codon 219 of the LIAS protein (p.Asp219Glu). The aspartic acid residue is highly conserved and there is a small physicochemical difference between aspartic acid and glutamic acid.

NM_006859.4(LIAS):c.657T>A (p.Asp219Glu)

Gene: LIAS (lipoic acid synthetase; plus strand). Cytogenetic location: 4p14.
Variant type: single nucleotide variant.
Coding change: c.657T>A on transcript NM_006859.4 (MANE Select); coding-DNA position 657, T replaced by A.
Protein change: p.Asp219Glu; replaces aspartic acid 219 with glutamic acid.
Molecular consequence: missense variant. On other transcripts: intron variant (1).
Genome position (GRCh38, 1-based): chr4:39,467,566, T>A. VCF-style: chr4-39467566-T-A. GRCh37 (hg19) VCF-style: chr4-39469186-T-A.
Other names: c.348T>A, p.Asp116Glu (NM_001363700.2); c.657T>A, p.Asp219Glu (NM_194451.3); c.608+2224T>A (NM_001278590.2); short protein forms D219E, D116E.
Identifiers: ClinVar variation 580248 (VCV000580248.8), dbSNP rs1021766315, ClinGen allele CA95730225.